The following is an entry in ClinVar:

ClinVar aggregate classification (germline): Benign/Likely benign. Review status: criteria provided, multiple submitters, no conflicts (2 of 4 stars). 5 submissions from 5 submitters: Benign (1); Likely benign (3). 1 of the submissions does not count toward it. Last evaluated 2025-01-02.

Conditions:
Lynch syndrome 5 (LYNCH5). Also called: Colorectal cancer, hereditary nonpolyposis, type 5; Hereditary non-polyposis colorectal cancer, type 5. Identifiers: Orphanet 144, MedGen C1833477, MONDO:0013710, OMIM 614350. Disease mechanism: loss of function.
MSH6-related disorder. Also called: MSH6-related condition; MSH6-Related disorders.
Hereditary nonpolyposis colorectal neoplasms. Identifiers: MedGen C0009405, MeSH D003123.
Hereditary cancer-predisposing syndrome. Also called: Neoplastic Syndromes, Hereditary; Tumor predisposition; Hereditary Cancer Syndrome; Hereditary neoplastic syndrome. Identifiers: Orphanet 140162, MedGen C0027672, MeSH D009386, MONDO:0015356.

Submissions (5):

Myriad Genetics, Inc.
Classification: Benign for Lynch syndrome 5. Last evaluated: 2025-01-02. Review status: criteria provided, single submitter. Criteria: Myriad Autosomal Dominant, Autosomal Recessive and X-Linked Classification Criteria (2023). Collection method: clinical testing. Allele origin: unknown.
Comment: This variant is considered benign. This variant is a silent/synonymous amino acid change and it is not expected to impact splicing.

Labcorp Genetics (formerly Invitae), Labcorp
Classification: Likely benign for Hereditary nonpolyposis colorectal neoplasms. Last evaluated: 2021-11-08. Review status: criteria provided, single submitter. Criteria: Invitae Variant Classification Sherloc (09022015). Collection method: clinical testing. Allele origin: germline.

GeneDx
Classification: Likely benign. Last evaluated: 2016-10-31. Review status: criteria provided, single submitter. Criteria: GeneDx Variant Classification (06012015). Collection method: clinical testing. Allele origin: germline. Affected: yes.
Comment: This variant is considered likely benign or benign based on one or more of the following criteria: it is a conservative change, it occurs at a poorly conserved position in the protein, it is predicted to be benign by multiple in silico algorithms, and/or has population frequency not consistent with disease.

Ambry Genetics
Classification: Likely benign for Hereditary cancer-predisposing syndrome. Last evaluated: 2015-05-23. Review status: criteria provided, single submitter. Criteria: Ambry Variant Classification Scheme 2023. Collection method: clinical testing. Allele origin: germline.

PreventionGenetics, part of Exact Sciences
Classification: Likely benign for MSH6-related condition. Last evaluated: 2024-07-10. Review status: no assertion criteria provided. Collection method: clinical testing. Allele origin: germline. Not counted in ClinVar's aggregate classification.
Comment: This variant is classified as likely benign based on ACMG/AMP sequence variant interpretation guidelines (Richards et al. 2015 PMID: 25741868, with internal and published modifications).

NM_000179.3(MSH6):c.2751C>T (p.Asp917=)

Gene: MSH6 (mutS homolog 6; plus strand). Cytogenetic location: 2p16.3.
Variant type: single nucleotide variant.
Coding change: c.2751C>T on transcript NM_000179.3 (MANE Select); coding-DNA position 2751, C replaced by T.
Protein change: p.Asp917=; no amino-acid change (aspartic acid 917 retained).
Molecular consequence: synonymous variant.
Genome position (GRCh38, 1-based): chr2:47,800,734, C>T. VCF-style: chr2-47800734-C-T. GRCh37 (hg19) VCF-style: chr2-48027873-C-T.
Other names: c.2361C>T, p.Asp787= (NM_001281492.2); c.1845C>T, p.Asp615= (NM_001281493.2, NM_001281494.2).
Identifiers: ClinVar variation 232011 (VCV000232011.15), dbSNP rs753967199, ClinGen allele CA10578117.